The following is an entry in ClinVar:

NM_000059.4(BRCA2):c.2855C>G (p.Ala952Gly)

Gene: BRCA2 (BRCA2 DNA repair associated; plus strand). Cytogenetic location: 13q13.1.
Variant type: single nucleotide variant.
Coding change: c.2855C>G on transcript NM_000059.4 (MANE Select); coding-DNA position 2855, C replaced by G.
Protein change: p.Ala952Gly; replaces alanine 952 with glycine.
Molecular consequence: missense variant.
Genome position (GRCh38, 1-based): chr13:32,337,210, C>G. VCF-style: chr13-32337210-C-G. GRCh37 (hg19) VCF-style: chr13-32911347-C-G.
Other names: short protein forms A952G.
Identifiers: ClinVar variation 970578 (VCV000970578.11), dbSNP rs761934778, ClinGen allele CA387773948.

ClinVar aggregate classification (germline): Conflicting classifications of pathogenicity. Review status: criteria provided, conflicting classifications (1 of 4 stars). 2 submissions from 2 submitters: Uncertain significance (1); Likely benign (1). Last evaluated 2023-03-23.

Conditions:
Hereditary cancer-predisposing syndrome. Also called: Neoplastic Syndromes, Hereditary; Hereditary Cancer Syndrome; Tumor predisposition; Hereditary neoplastic syndrome. Identifiers: Orphanet 140162, MedGen C0027672, MeSH D009386, MONDO:0015356.
Hereditary breast ovarian cancer syndrome. Also called: BRCA1- and BRCA2-Associated Hereditary Breast and Ovarian Cancer; Hereditary breast and ovarian cancer; Hereditary breast and ovarian cancer syndrome; Hereditary breast and/or ovarian cancer syndrome; Hereditary breast and ovarian cancer syndrome (HBOC); Breast and ovarian cancer. Identifiers: Orphanet 145, MedGen C0677776, MeSH D061325, MONDO:0003582. Disease mechanism: loss of function.

Submissions (2):

University of Washington Department of Laboratory Medicine, University of Washington
Classification: Likely benign for Hereditary cancer-predisposing syndrome. Last evaluated: 2023-03-23. Review status: criteria provided, single submitter. Criteria: Dines et al. (Genet Med. 2020). Collection method: curation. Allele origin: germline.
Comment: Missense variant in a coldspot region where missense variants are very unlikely to be pathogenic (PMID:31911673).

BRCA2 exon 11 coldspot. Reclassification based on statistical prior probability.

Labcorp Genetics (formerly Invitae), Labcorp
Classification: Uncertain significance for Hereditary breast ovarian cancer syndrome. Last evaluated: 2019-11-05. Review status: criteria provided, single submitter. Criteria: Invitae Variant Classification Sherloc (09022015). Collection method: clinical testing. Allele origin: germline.
Comment: This variant is not present in population databases (ExAC no frequency). In summary, the available evidence is currently insufficient to determine the role of this variant in disease. Therefore, it has been classified as a Variant of Uncertain Significance. Algorithms developed to predict the effect of missense changes on protein structure and function (SIFT, PolyPhen-2, Align-GVGD) all suggest that this variant is likely to be tolerated, but these predictions have not been confirmed by published functional studies and their clinical significance is uncertain. This variant has not been reported in the literature in individuals with BRCA2-related conditions. This sequence change replaces alanine with glycine at codon 952 of the BRCA2 protein (p.Ala952Gly). The alanine residue is weakly conserved and there is a small physicochemical difference between alanine and glycine.